The following is an entry in ClinVar:

NM_152419.3(HGSNAT):c.231T>A (p.Tyr77Ter)

Gene: HGSNAT (heparan-alpha-glucosaminide N-acetyltransferase; plus strand). Cytogenetic location: 8p11.21.
Variant type: single nucleotide variant.
Coding change: c.231T>A on transcript NM_152419.3 (MANE Select); coding-DNA position 231, T replaced by A.
Protein change: p.Tyr77Ter; replaces tyrosine 77 with a stop codon.
Molecular consequence: nonsense. On other transcripts: 5 prime UTR variant (1).
Genome position (GRCh38, 1-based): chr8:43,147,060, T>A. VCF-style: chr8-43147060-T-A. GRCh37 (hg19) VCF-style: chr8-43002203-T-A.
Other names: c.231T>A, p.Tyr77Ter (NM_001363227.2, NM_001363228.2); c.-603T>A (NM_001363229.2); short protein forms Y77*.
Identifiers: ClinVar variation 5012684 (VCV005012684.1).
Genomic context (GRCh38, chr8:43,147,060, plus strand): 5'-CATCCATAATGAACTTCTCTGGACCAACTTGACCGTCTACTGGAAATCTGAATGCTGTTA[T>A]CACGTATGTATCAGTTCACACTCAGTTCTGTTTGCTTTGGGGCTTGTTTGATATGATCCT-3'

ClinVar aggregate classification (germline): Pathogenic (1 of 4 stars; one submission).

Conditions:
Mucopolysaccharidosis, MPS-III-C (MPS3C). Also called: MPS III C; MUCOPOLYSACCHARIDOSIS, TYPE IIIC; Mucopolysaccharidosis type IIIC (Sanfilippo C); mucopolysaccharidosis type 3C; MPS IIIC (Sanfilippo Syndrome Type C); SANFILIPPO SYNDROME C. Identifiers: Orphanet 581, Orphanet 79271, MedGen C0086649, MONDO:0009657, OMIM 252930.

Submission:

Myriad Genetics, Inc.
Classification: Pathogenic for Mucopolysaccharidosis, MPS-III-C. Last evaluated: 2024-01-26. Review status: criteria provided, single submitter. Criteria: Myriad Autosomal Dominant, Autosomal Recessive and X-Linked Classification Criteria (2023). Collection method: clinical testing. Allele origin: unknown.
Comment: NM_152419.2(HGSNAT):c.231T>A(Y77*) is expected to be pathogenic in the context of mucopolysaccharidosis type IIIC. This variant is predicted to lead to an abnormal or absent protein product due to the creation of a premature termination codon in HGSNAT, a gene where loss-of-function variants are known to be pathogenic. Please note: this variant was assessed in the context of healthy population screening.